The following is an entry in ClinVar:

ClinVar aggregate classification (germline): Likely benign. Review status: criteria provided, single submitter (1 of 4 stars). 2 submissions from 2 submitters: Likely benign (1). 1 of the submissions does not count toward it. Last evaluated 2019-12-31.

Conditions:
LIMK1-related disorder. Also called: LIMK1-related condition.

Allele frequency attached by ClinVar (database versions not stated): gnomAD exomes 0.00001 and 0.00018; gnomAD 0.00007 and 0.00008; TOPMed 0.00012; ExAC 0.00016.
gnomAD v4.1: 60 of 1,613,834 alleles (0.0037%); highest among the groups gnomAD compares: East Asian, 0.062%; no homozygotes.

Submissions (2):

Labcorp Genetics (formerly Invitae), Labcorp
Classification: Likely benign. Last evaluated: 2019-12-31. Review status: criteria provided, single submitter. Criteria: Invitae Variant Classification Sherloc (09022015). Collection method: clinical testing. Allele origin: germline.

PreventionGenetics, part of Exact Sciences
Classification: Likely benign for LIMK1-related condition. Last evaluated: 2021-03-02. Review status: no assertion criteria provided. Collection method: clinical testing. Allele origin: germline. Not counted in ClinVar's aggregate classification.
Comment: This variant is classified as likely benign based on ACMG/AMP sequence variant interpretation guidelines (Richards et al. 2015 PMID: 25741868, with internal and published modifications).

NM_002314.4(LIMK1):c.715-6C>A

Gene: LIMK1 (LIM domain kinase 1; plus strand). Cytogenetic location: 7q11.23.
Variant type: single nucleotide variant.
Coding change: c.715-6C>A on transcript NM_002314.4 (MANE Select); 6 bases into the intron before coding-DNA position 715, C replaced by A.
Molecular consequence: intron variant.
Genome position (GRCh38, 1-based): chr7:74,106,071, C>A. VCF-style: chr7-74106071-C-A. GRCh37 (hg19) VCF-style: chr7-73520401-C-A.
Other names: c.613-6C>A (NM_001204426.2).
Identifiers: ClinVar variation 707978 (VCV000707978.6), dbSNP rs376409432, ClinGen allele CA4293709.